The following is an entry in ClinVar:

NM_006947.4(SRP72):c.82A>C (p.Thr28Pro)

Gene: SRP72 (signal recognition particle 72; plus strand). Cytogenetic location: 4q12.
Variant type: single nucleotide variant.
Coding change: c.82A>C on transcript NM_006947.4 (MANE Select); coding-DNA position 82, A replaced by C.
Protein change: p.Thr28Pro; replaces threonine 28 with proline.
Molecular consequence: missense variant. On other transcripts: non-coding transcript variant (1).
Genome position (GRCh38, 1-based): chr4:56,467,717, A>C. VCF-style: chr4-56467717-A-C. GRCh37 (hg19) VCF-style: chr4-57333883-A-C.
Other names: c.82A>C, p.Thr28Pro (NM_001267722.2); short protein forms T28P.
Identifiers: ClinVar variation 4841456 (VCV004841456.1).

ClinVar aggregate classification (germline): Uncertain significance (1 of 4 stars; one submission).

gnomAD v4.1: 3 of 1,486,842 alleles (0.0002%); highest among the groups gnomAD compares: South Asian, 0.0036%; no homozygotes.

Submission:

Ambry Genetics
Classification: Uncertain significance. Last evaluated: 2025-12-28. Review status: criteria provided, single submitter. Criteria: Ambry Variant Classification Scheme 2023. Collection method: clinical testing. Allele origin: germline.
Comment: The p.T28P variant (also known as c.82A>C), located in coding exon 1 of the SRP72 gene, results from an A to C substitution at nucleotide position 82. The threonine at codon 28 is replaced by proline, an amino acid with highly similar properties. This amino acid position is conserved. In addition, this alteration is predicted to be tolerated by in silico analysis. Based on the available evidence, the clinical significance of this variant remains unclear.